The following is an entry in ClinVar:

NM_020937.4(FANCM):c.3965C>T (p.Ser1322Phe)

Gene: FANCM (FA complementation group M; plus strand). Cytogenetic location: 14q21.2.
Variant type: single nucleotide variant.
Coding change: c.3965C>T on transcript NM_020937.4 (MANE Select); coding-DNA position 3965, C replaced by T.
Protein change: p.Ser1322Phe; replaces serine 1322 with phenylalanine.
Molecular consequence: missense variant.
Genome position (GRCh38, 1-based): chr14:45,176,719, C>T. VCF-style: chr14-45176719-C-T. GRCh37 (hg19) VCF-style: chr14-45645922-C-T.
Other names: c.3965C>T (LRG_502t1); c.3887C>T, p.Ser1296Phe (NM_001308133.2); short protein forms S1322F, S1296F.
Identifiers: ClinVar variation 650179 (VCV000650179.1), dbSNP rs1594800025, ClinGen allele CA389603763.

ClinVar aggregate classification (germline): Uncertain significance (1 of 4 stars; one submission).

Conditions:
Fanconi anemia (FA). Also called: Fanconi's anemia. Identifiers: Orphanet 84, MedGen C0015625, MeSH D005199, MONDO:0019391.

Submission:

Labcorp Genetics (formerly Invitae), Labcorp
Classification: Uncertain significance for Fanconi anemia. Last evaluated: 2018-10-06. Review status: criteria provided, single submitter. Criteria: Invitae Variant Classification Sherloc (09022015). Collection method: clinical testing. Allele origin: germline.
Comment: This sequence change replaces serine with phenylalanine at codon 1322 of the FANCM protein (p.Ser1322Phe). The serine residue is weakly conserved and there is a large physicochemical difference between serine and phenylalanine. This variant is not present in population databases (ExAC no frequency). This variant has not been reported in the literature in individuals with FANCM-related disease. Algorithms developed to predict the effect of missense changes on protein structure and function are either unavailable or do not agree on the potential impact of this missense change (SIFT: "Tolerated"; PolyPhen-2: "Possibly Damaging"; Align-GVGD: "Class C0"). In summary, the available evidence is currently insufficient to determine the role of this variant in disease. Therefore, it has been classified as a Variant of Uncertain Significance.